The following is an entry in ClinVar:

ClinVar aggregate classification (germline): Uncertain significance. Review status: criteria provided, multiple submitters, no conflicts (2 of 4 stars). 2 submissions from 2 submitters: Uncertain significance (2). Last evaluated 2024-01-30.

Conditions:
Tuberous sclerosis 2 (TSC2). Identifiers: Orphanet 805, MedGen C1860707, MONDO:0013199, OMIM 613254.
Hereditary cancer-predisposing syndrome. Also called: Neoplastic Syndromes, Hereditary; Hereditary Cancer Syndrome; Hereditary neoplastic syndrome; Tumor predisposition. Identifiers: Orphanet 140162, MedGen C0027672, MeSH D009386, MONDO:0015356.

Allele frequency attached by ClinVar (database versions not stated): gnomAD exomes below 0.00001.

Submissions (2):

Ambry Genetics
Classification: Uncertain significance for Hereditary cancer-predisposing syndrome. Last evaluated: 2024-01-30. Review status: criteria provided, single submitter. Criteria: Ambry Variant Classification Scheme 2023. Collection method: clinical testing. Allele origin: germline.
Comment: The c.3815-2A>G intronic variant results from an A to G substitution two nucleotides upstream from coding exon 31 in the TSC2 gene. Alterations that disrupt the canonical splice site are expected to result in aberrant splicing. In silico splice site analysis predicts that this alteration may weaken the native splice acceptor site. The resulting transcript is predicted to be in-frame and is not expected to trigger nonsense-mediated mRNA decay; however, direct evidence is unavailable. The exact functional effect of the altered amino acid sequence is unknown. This nucleotide position is highly conserved in available vertebrate species. This region of the TSC2 gene is excluded from other biologically relevant TSC2 transcripts. Based on the available evidence, the clinical significance of this alteration remains unclear.

Labcorp Genetics (formerly Invitae), Labcorp
Classification: Uncertain significance for Tuberous sclerosis 2. Last evaluated: 2024-01-03. Review status: criteria provided, single submitter. Criteria: Invitae Variant Classification Sherloc (09022015). Collection method: clinical testing. Allele origin: germline.
Comment: This sequence change affects an acceptor splice site in intron 31 of the TSC2 gene. Loss-of-function variants in TSC2 are known to be pathogenic (PMID: 10205261, 17304050). However, tissue-specific alternative splicing of TSC2 gene results in a functional isoform lacking in-frame exon 32 (also known as exon 31, PMID: 26703369). For this reason the clinical significance of loss of function variants in exon 32 is currently uncertain. This variant is not present in population databases (gnomAD no frequency). This variant has not been reported in the literature in individuals affected with TSC2-related conditions. ClinVar contains an entry for this variant (Variation ID: 2153828). In summary, the available evidence is currently insufficient to determine the role of this variant in disease. Therefore, it has been classified as a Variant of Uncertain Significance.

Literature cited by the submitters: PubMed 10205261 (cited by Labcorp Genetics (formerly Invitae), Labcorp); PubMed 17304050 (cited by Labcorp Genetics (formerly Invitae), Labcorp).

NM_000548.5(TSC2):c.3815-2A>G

Gene: TSC2 (TSC complex subunit 2; plus strand). Cytogenetic location: 16p13.3.
Variant type: single nucleotide variant.
Coding change: c.3815-2A>G on transcript NM_000548.5 (MANE Select); the canonical splice acceptor site of the intron before coding-DNA position 3815, A replaced by G.
Molecular consequence: splice acceptor variant. On other transcripts: intron variant (33).
Genome position (GRCh38, 1-based): chr16:2,082,434, A>G. VCF-style: chr16-2082434-A-G. GRCh37 (hg19) VCF-style: chr16-2132435-A-G.
Other names: c.3815-2A>G (NM_000548.3); c.3083-2A>G (NM_001318831.2); c.3082+636A>G (NM_001406688.1, NM_001406687.1); c.3625+636A>G (NM_001406677.1); c.3667+636A>G (NM_001406675.1); c.3664+636A>G (NM_001406676.1); c.3538+636A>G (NM_001318829.2); c.3535+636A>G (NM_001406679.1); and 26 more.
Identifiers: ClinVar variation 2153828 (VCV002153828.5), dbSNP rs1567513626, ClinGen allele CA394294735.